The following is an entry in ClinVar:

ClinVar aggregate classification (germline): Pathogenic. Review status: criteria provided, single submitter (1 of 4 stars). 3 submissions from 2 submitters: Pathogenic (1). 2 of the submissions do not count toward it. Last evaluated 2025-04-22.

Conditions:
Congenital heart defects, multiple types, 4 (CHTD4). Identifiers: MedGen C4014310, MONDO:0014344, OMIM 615779.
46,xx sex reversal 5. Identifiers: MedGen C5394441, MONDO:0030049, OMIM 618901.

Submissions (3):

GeneDx
Classification: Pathogenic. Last evaluated: 2025-04-22. Review status: criteria provided, single submitter. Criteria: GeneDx Variant Classification Process June 2021. Collection method: clinical testing. Allele origin: germline. Affected: yes.
Comment: Frameshift variant predicted to result in protein truncation or nonsense mediated decay in a gene for which loss of function is a known mechanism of disease; Not observed at significant frequency in large population cohorts (gnomAD); This variant is associated with the following publications: (PMID: 27363585, 29478779, 32981126)

OMIM
Classification: Pathogenic for CONGENITAL HEART DEFECTS, MULTIPLE TYPES, 4. Last evaluated: 2020-06-02. Review status: no assertion criteria provided. Collection method: literature only. Allele origin: germline. Not counted in ClinVar's aggregate classification.

OMIM
Classification: Pathogenic for 46,XX SEX REVERSAL 5. Last evaluated: 2020-06-02. Review status: no assertion criteria provided. Collection method: literature only. Allele origin: germline. Not counted in ClinVar's aggregate classification.

Literature cited by the submitters: PubMed 27363585 (cited by OMIM); PubMed 29478779 (cited by OMIM).

NM_021005.4(NR2F2):c.97_103del (p.Pro33fs)

Gene: NR2F2 (nuclear receptor subfamily 2 group F member 2; plus strand). Cytogenetic location: 15q26.2.
Variant type: Deletion.
Coding change: c.97_103del on transcript NM_021005.4 (MANE Select); coding-DNA positions 97 to 103, 7 bases deleted (CCGCCCG; older notation c.97_103delCCGCCCG).
Protein change: p.Pro33fs; shifts the reading frame from proline 33.
Molecular consequence: frameshift variant. On other transcripts: intron variant (1).
Genome position (GRCh38, 1-based): chr15:96,332,202-96,332,208, CCGCCCG deleted; deleting any 7 consecutive bases within chr15:96,332,197-96,332,208 gives the same sequence; the c. name uses the placement nearest the transcript's 3' end. VCF-style (leftmost placement, unchanged base first): chr15-96332196-GGCCCGCC-G. GRCh37 (hg19) VCF-style: chr15-96875425-GGCCCGCC-G.
Other names: c.92_98delGCCCGCC (NM_021005.3); c.97_103delCCGCCCG (NM_021005.3); c.44-1874_44-1868del (NM_001145155.2); c.97_103del (NM_021005.3); short protein forms P33fs.
Identifiers: ClinVar variation 916034 (VCV000916034.2), dbSNP rs1899167019, ClinGen allele CA1139664179.